The following is an entry in ClinVar:

NM_001031726.4(C19orf12):c.164_166delGGG

Gene: C19orf12 (chromosome 19 open reading frame 12; minus strand). Cytogenetic location: 19q12.
Variant type: Deletion.
Coding change: c.164_166delGGG on transcript NM_001031726.4; coding-DNA positions 164 to 166, 3 bases deleted (GGG).
Molecular consequence: splice acceptor variant.
Genome position (GRCh38, 1-based): chr19:29,702,972-29,702,974, CCC deleted on the plus strand (GGG on the coding strand, the reverse complement: C19orf12 is on the minus strand); deleting any 3 consecutive bases within chr19:29,702,972-29,702,978 gives the same sequence; the c. name uses the placement nearest the transcript's 3' end. VCF-style (leftmost placement, unchanged base first): chr19-29702971-GCCC-G. GRCh37 (hg19) VCF-style: chr19-30193878-GCCC-G.
Other names: C19ORF12, 3-BP DEL, NT197; c.197_199delGGG (NM_001031726.3); c.164_166delGGG (NM_031448.6).
Identifiers: ClinVar variation 88866 (VCV000088866.53), dbSNP rs398122409, ClinGen allele CA266201.

ClinVar aggregate classification (germline): Pathogenic/Likely pathogenic. Review status: criteria provided, multiple submitters, no conflicts (2 of 4 stars). 12 submissions from 11 submitters: Pathogenic (4); Likely pathogenic (3). 5 of the submissions do not count toward it. Last evaluated 2025-12-30.

Conditions:
C19ORF12-related disorders.
Neurodegeneration with brain iron accumulation 4 (NBIA4). Also called: MITOCHONDRIAL PROTEIN-ASSOCIATED NEURODEGENERATION. Identifiers: Orphanet 289560, MedGen C3280371, MONDO:0013674, OMIM 614298. Disease mechanism: loss of function.
Hereditary spastic paraplegia 43. Also called: Spastic paraplegia 43, autosomal recessive. Identifiers: Orphanet 320370, MedGen C2680446, MONDO:0014024, OMIM 615043.
Neurodegeneration with brain iron accumulation (NBIA). Identifiers: Orphanet 385, MedGen C2931845, MONDO:0018307.
Neurofibromatosis, type 1 (NF1). Also called: VON RECKLINGHAUSEN DISEASE; Peripheral type neurofibromatosis; Neurofibromatosis, type I; NEUROFIBROMATOSIS, TYPE I, SOMATIC. Identifiers: Orphanet 636, MedGen C0027831, MONDO:0018975, OMIM 162200. Disease mechanism: loss of function.

Submissions (12):

Labcorp Genetics (formerly Invitae), Labcorp
Classification: Pathogenic for Hereditary spastic paraplegia 43. Last evaluated: 2025-12-30. Review status: criteria provided, single submitter. Criteria: Invitae Variant Classification Sherloc (09022015). Collection method: clinical testing. Allele origin: germline.
Comment: This variant, c.197_199del, results in the deletion of 1 amino acid(s) of the C19orf12 protein (p.Gly66del), but otherwise preserves the integrity of the reading frame. This variant is present in population databases (rs398122409, gnomAD 0.003%). This variant has been observed in individual(s) with autosomal recessive neurodegeneration with brain iron accumulation (PMID: 22584950, 23857908). In at least one individual the data is consistent with being in trans (on the opposite chromosome) from a pathogenic variant. It has also been observed to segregate with disease in related individuals. ClinVar contains an entry for this variant (Variation ID: 88866). Algorithms developed to predict the effect of variants on gene product structure and function are not available or were not evaluated for this variant. Experimental studies have shown that this variant affects C19orf12 function (PMID: 23857908). For these reasons, this variant has been classified as Pathogenic.

Fulgent Genetics
Classification: Likely pathogenic for Neurodegeneration with brain iron accumulation 4; Hereditary spastic paraplegia 43. Last evaluated: 2024-03-29. Review status: criteria provided, single submitter. Criteria: ACMG Guidelines, 2015. Collection method: clinical testing. Allele origin: germline.

Women's Health and Genetics/Laboratory Corporation of America, LabCorp
Classification: Likely pathogenic for Neurodegeneration with brain iron accumulation. Last evaluated: 2023-03-29. Review status: criteria provided, single submitter. Criteria: LabCorp Variant Classification Summary - May 2015. Collection method: clinical testing. Allele origin: germline.
Comment: Variant summary: C19orf12 c.164_166delGGG/p.Gly55del (legacy name: c.197_199delGGG/p.Gly66del) results in an in-frame deletion that is predicted to remove one amino acid from the transmembrane domain of the encoded protein. The variant allele was found at a frequency of 1.2e-05 in 248898 control chromosomes. c.164_166delGGG has been reported in the literature as a compound heterozygous genotype in at-least three individuals affected with Neurodegeneration With Brain Iron Accumulation (example, Deschauer_2012 cited in Dusek_2020). These data indicate that the variant may be associated with disease. To our knowledge, no experimental evidence demonstrating an impact on protein function has been reported. Two clinical diagnostic laboratory has submitted clinical-significance assessments for this variant to ClinVar after 2014 without evidence for independent evaluation and classified the variant as pathogenic. Based on the evidence outlined above, the variant was classified as likely pathogenic.

Institute of Human Genetics Munich, TUM University Hospital
Classification: Pathogenic for Neurodegeneration with brain iron accumulation 4. Last evaluated: 2022-11-08. Review status: criteria provided, single submitter. Criteria: Classification criteria August 2017. Collection method: clinical testing. Allele origin: maternal. Inheritance: Autosomal recessive inheritance. Affected: yes. Observed: 1 variant allele.

GeneDx
Classification: Pathogenic. Last evaluated: 2022-01-27. Review status: criteria provided, single submitter. Criteria: GeneDx Variant Classification Process June 2021. Collection method: clinical testing. Allele origin: germline. Affected: yes.
Comment: Not observed at significant frequency in large population cohorts (gnomAD); In-frame deletion of 1 amino acid in a non-repeat region; Published functional studies demonstrate abnormal subcellular protein distribution (Landoure et al., 2013); In silico analysis supports a deleterious effect on protein structure/function; This variant is associated with the following publications: (PMID: 23857908, 22584950)

Blueprint Genetics
Classification: Likely pathogenic for C19ORF12-related disorders. Last evaluated: 2021-03-31. Review status: criteria provided, single submitter. Criteria: ACMG Guidelines, 2015. Collection method: clinical testing. Allele origin: germline. Affected: yes. Observed: 1 variant allele.

CeGaT Center for Human Genetics Tuebingen
Classification: Pathogenic. Last evaluated: 2020-09-01. Review status: criteria provided, single submitter. Criteria: CeGaT Center For Human Genetics Tuebingen Variant Classification Criteria Version 2. Collection method: clinical testing. Allele origin: germline. Affected: yes. Observed: 1 variant allele.

Diagnostics Centre, Carl Von Ossietzky University Oldenburg
Classification: Likely pathogenic for Neurodegeneration with brain iron accumulation 4. Last evaluated: 2023-10-23. Review status: no assertion criteria provided. Collection method: clinical testing. Allele origin: germline. Affected: yes. Observed: 1 variant allele. Not counted in ClinVar's aggregate classification.
Comment: The variant C19orf12:c.164_166delGGG, p.(Gly55del), which is located in the coding exon 3 of the C19orf12 gene, results from a three-base deletion at nucleotide position c.164_166. The glycine at protein position 55 is deleted. This amino acid position is located in a transmembrane domain of the protein and is evolutionarily highly conserved. The variant has been consistenly classified as Pathogenic or Likely pathogenic in seven entries in ClinVar (ClinVar ID: 88866). The variant has been described in compound heterozygosity with another pathogenic deletion (PMID: 22584950). Experimental studies showed a deleterious effect in the protein since the variant affected the proper subcellular localisation of the altered protein (PMID: 23857908). The variant is classified as rare in the overall population (allele frequency= 0.00001859 in gnomAD v4.1.0). In summary, this variant is classified as Likely pathogenic.

Diagnostics Centre, Carl Von Ossietzky University Oldenburg
Classification: Likely pathogenic for Neurofibromatosis, type 1. Last evaluated: 2023-10-19. Review status: no assertion criteria provided. Collection method: clinical testing. Allele origin: germline. Affected: yes. Observed: 1 variant allele. Not counted in ClinVar's aggregate classification.
Comment: the same text as in the submission from Diagnostics Centre, Carl Von Ossietzky University Oldenburg above.

OMIM
Classification: Pathogenic for NEURODEGENERATION WITH BRAIN IRON ACCUMULATION 4, AUTOSOMAL RECESSIVE. Last evaluated: 2013-10-01. Review status: no assertion criteria provided. Collection method: literature only. Allele origin: germline. Not counted in ClinVar's aggregate classification.

Diagnostic Laboratory, Department of Genetics, University Medical Center Groningen
Classification: Pathogenic. Review status: no assertion criteria provided. Collection method: clinical testing. Allele origin: germline. Affected: yes. Study: VKGL Data-share Consensus. Not counted in ClinVar's aggregate classification.

Genome Diagnostics Laboratory, Amsterdam University Medical Center
Classification: Pathogenic. Review status: no assertion criteria provided. Collection method: clinical testing. Allele origin: germline. Affected: yes. Study: VKGL Data-share Consensus. Not counted in ClinVar's aggregate classification.

Literature cited by the submitters: PubMed 22584950 (cited by 4 submitters); PubMed 23857908 (cited by 3 submitters); PubMed 31518459 (cited by Women's Health and Genetics/Laboratory Corporation of America, LabCorp).